The following is an entry in ClinVar:

NM_000535.7(PMS2):c.720T>G (p.Ile240Met)

Gene: PMS2 (PMS1 homolog 2, mismatch repair system component; minus strand). Cytogenetic location: 7p22.1.
Variant type: single nucleotide variant.
Coding change: c.720T>G on transcript NM_000535.7 (MANE Select); coding-DNA position 720, T replaced by G.
Protein change: p.Ile240Met; replaces isoleucine 240 with methionine.
Molecular consequence: missense variant. On other transcripts: non-coding transcript variant (1), intron variant (3), 5 prime UTR variant (2).
Genome position (GRCh38, 1-based): chr7:5,997,409, A>C on the plus strand (T>G on the coding strand, the complement: PMS2 is on the minus strand). VCF-style: chr7-5997409-A-C. GRCh37 (hg19) VCF-style: chr7-6037040-A-C.
Other names: c.315T>G, p.Ile105Met (NM_001406892.1, NM_001406893.1, NM_001406894.1 and 19 more transcripts); c.411T>G, p.Ile137Met (NM_001406900.1, NM_001406882.1, NM_001406875.1 and 6 more transcripts); c.402T>G, p.Ile134Met (NM_001406901.1, NM_001406883.1, NM_001406902.1 and 4 more transcripts); c.552T>G, p.Ile184Met (NM_001406884.1, NM_001406874.1); c.384T>G, p.Ile128Met (NM_001406885.1); c.207T>G, p.Ile69Met (NM_001406904.1, NM_001406905.1); c.147T>G, p.Ile49Met (NM_001406909.1, NM_001322013.2); c.720T>G, p.Ile240Met (NM_001406912.1, NM_001406870.1, NM_001406871.1 and 3 more transcripts); and 7 more; short protein forms I69M, I240M, I302M, I49M, I105M, I128M, I134M, I137M.
Identifiers: ClinVar variation 3659194 (VCV003659194.2).

ClinVar aggregate classification (germline): Uncertain significance (1 of 4 stars; one submission).

Conditions:
Hereditary nonpolyposis colorectal neoplasms. Identifiers: MedGen C0009405, MeSH D003123.

Submission:

Labcorp Genetics (formerly Invitae), Labcorp
Classification: Uncertain significance for Hereditary nonpolyposis colorectal neoplasms. Last evaluated: 2024-07-11. Review status: criteria provided, single submitter. Criteria: Invitae Variant Classification Sherloc (09022015). Collection method: clinical testing. Allele origin: germline.
Comment: This sequence change replaces isoleucine, which is neutral and non-polar, with methionine, which is neutral and non-polar, at codon 240 of the PMS2 protein (p.Ile240Met). This variant is not present in population databases (gnomAD no frequency). This variant has not been reported in the literature in individuals affected with PMS2-related conditions. Advanced modeling of protein sequence and biophysical properties (such as structural, functional, and spatial information, amino acid conservation, physicochemical variation, residue mobility, and thermodynamic stability) performed at Invitae indicates that this missense variant is not expected to disrupt PMS2 protein function with a negative predictive value of 80%. In summary, the available evidence is currently insufficient to determine the role of this variant in disease. Therefore, it has been classified as a Variant of Uncertain Significance.